The following is an entry in ClinVar:

ClinVar aggregate classification (germline): Likely benign (1 of 4 stars; one submission).

Submission:

CeGaT Center for Human Genetics Tuebingen
Classification: Likely benign. Last evaluated: 2023-06-01. Review status: criteria provided, single submitter. Criteria: CeGaT Center For Human Genetics Tuebingen Variant Classification Criteria Version 2. Collection method: clinical testing. Allele origin: germline. Affected: yes. Observed: 1 variant allele.
Comment: GRIN2D: PM2:Supporting, BP4, BP7

NM_000836.4(GRIN2D):c.3705C>A (p.Arg1235=)

Gene: GRIN2D (glutamate ionotropic receptor NMDA type subunit 2D; plus strand). Cytogenetic location: 19q13.33.
Variant type: single nucleotide variant.
Coding change: c.3705C>A on transcript NM_000836.4 (MANE Select); coding-DNA position 3705, C replaced by A.
Protein change: p.Arg1235=; no amino-acid change (arginine 1235 retained).
Molecular consequence: synonymous variant.
Genome position (GRCh38, 1-based): chr19:48,443,631, C>A. VCF-style: chr19-48443631-C-A. GRCh37 (hg19) VCF-style: chr19-48946888-C-A.
Identifiers: ClinVar variation 2650206 (VCV002650206.24), dbSNP rs2513693921, ClinGen allele CA508265602.
Genomic context (GRCh38, chr19:48,443,631, plus strand): 5'-CGCCGGGCCCCTGCCCCGACGCCGGGCCCGCTGCGGGTGCCCGCGGTCGCACCCGCACCG[C>A]CCGCGGGCCTCGCACCGCACGCCCGCCGCCGCCGCGCCCCACCACCACAGGCACCGGCGC-3'
Protein context (NP_000827.2, residues 1225-1245): RCGCPRSHPH[Arg1235=]PRASHRTPAA